The following is an entry in ClinVar:

NM_000059.4(BRCA2):c.2063A>G (p.Tyr688Cys)

Gene: BRCA2 (BRCA2 DNA repair associated; plus strand). Cytogenetic location: 13q13.1.
Variant type: single nucleotide variant.
Coding change: c.2063A>G on transcript NM_000059.4 (MANE Select); coding-DNA position 2063, A replaced by G.
Protein change: p.Tyr688Cys; replaces tyrosine 688 with cysteine.
Molecular consequence: missense variant.
Genome position (GRCh38, 1-based): chr13:32,336,418, A>G. VCF-style: chr13-32336418-A-G. GRCh37 (hg19) VCF-style: chr13-32910555-A-G.
Other names: short protein forms Y688C.
Identifiers: ClinVar variation 523315 (VCV000523315.23), dbSNP rs28897713, ClinGen allele CA247500518.

ClinVar aggregate classification (germline): Conflicting classifications of pathogenicity. Review status: criteria provided, conflicting classifications (1 of 4 stars). 5 submissions from 5 submitters: Uncertain significance (4); Likely benign (1). Last evaluated 2025-11-27.

Conditions:
Hereditary breast ovarian cancer syndrome. Also called: BRCA1- and BRCA2-Associated Hereditary Breast and Ovarian Cancer; Breast and ovarian cancer; Hereditary breast and/or ovarian cancer syndrome; Hereditary breast and ovarian cancer syndrome; Hereditary breast and ovarian cancer; Hereditary breast and ovarian cancer syndrome (HBOC). Identifiers: Orphanet 145, MedGen C0677776, MeSH D061325, MONDO:0003582. Disease mechanism: loss of function.
Hereditary cancer-predisposing syndrome. Also called: Neoplastic Syndromes, Hereditary; Hereditary neoplastic syndrome; Tumor predisposition; Hereditary Cancer Syndrome. Identifiers: Orphanet 140162, MedGen C0027672, MeSH D009386, MONDO:0015356.
Melanoma. Identifiers: MedGen C0025202, MeSH D008545, MONDO:0005105, HP:0002861.

Allele frequency attached by ClinVar (database versions not stated): gnomAD exomes below 0.00001; TOPMed below 0.00001.
gnomAD v4.1: 3 of 1,613,750 alleles (0.00019%); highest among the groups gnomAD compares: South Asian, 0.0011%; no homozygotes.

Submissions (5):

Labcorp Genetics (formerly Invitae), Labcorp
Classification: Uncertain significance for Hereditary breast ovarian cancer syndrome. Last evaluated: 2025-11-27. Review status: criteria provided, single submitter. Criteria: Invitae Variant Classification Sherloc (09022015). Collection method: clinical testing. Allele origin: germline.
Comment: This sequence change replaces tyrosine, which is neutral and polar, with cysteine, which is neutral and slightly polar, at codon 688 of the BRCA2 protein (p.Tyr688Cys). This variant is present in population databases (rs28897713, gnomAD 0.003%). This missense change has been observed in individual(s) with ovarian cancer (PMID: 35382848). ClinVar contains an entry for this variant (Variation ID: 523315). Invitae Evidence Modeling of protein sequence and biophysical properties (such as structural, functional, and spatial information, amino acid conservation, physicochemical variation, residue mobility, and thermodynamic stability) indicates that this missense variant is not expected to disrupt BRCA2 protein function with a negative predictive value of 95%. In summary, the available evidence is currently insufficient to determine the role of this variant in disease. Therefore, it has been classified as a Variant of Uncertain Significance.

Ambry Genetics
Classification: Uncertain significance for Hereditary cancer-predisposing syndrome. Last evaluated: 2024-08-01. Review status: criteria provided, single submitter. Criteria: Ambry Variant Classification Scheme 2023. Collection method: clinical testing. Allele origin: germline.
Comment: The p.Y688C variant (also known as c.2063A>G), located in coding exon 10 of the BRCA2 gene, results from an A to G substitution at nucleotide position 2063. The tyrosine at codon 688 is replaced by cysteine, an amino acid with highly dissimilar properties. This amino acid position is poorly conserved in available vertebrate species. In addition, this alteration is predicted to be tolerated by in silico analysis. Since supporting evidence is limited at this time, the clinical significance of this alteration remains unclear.

Color Diagnostics, LLC DBA Color Health
Classification: Uncertain significance for Hereditary cancer-predisposing syndrome. Last evaluated: 2024-02-05. Review status: criteria provided, single submitter. Criteria: ACMG Guidelines, 2015. Collection method: clinical testing. Allele origin: germline.
Comment: This missense variant replaces tyrosine with cysteine at codon 688 of the BRCA2 protein. Computational prediction suggests that this variant may not impact protein structure and function. To our knowledge, functional studies have not been reported for this variant. This variant has been reported in an individual affected with ovarian cancer (PMID: 35382848), and in a large breast cancer case-control meta analysis conducted by the BRIDGES consortium in 1/60466 cases and 1/53461 unaffected controls (PMID: 33471991; Leiden Open Variation Database DB-ID BRCA2_007916). This variant has been identified in 1/250408 chromosomes in the general population by the Genome Aggregation Database (gnomAD). The available evidence is insufficient to determine the role of this variant in disease conclusively. Therefore, this variant is classified as a Variant of Uncertain Significance.

University of Washington Department of Laboratory Medicine, University of Washington
Classification: Likely benign for Hereditary cancer-predisposing syndrome. Last evaluated: 2023-03-23. Review status: criteria provided, single submitter. Criteria: Dines et al. (Genet Med. 2020). Collection method: curation. Allele origin: germline.
Comment: Missense variant in a coldspot region where missense variants are very unlikely to be pathogenic (PMID:31911673).

BRCA2 exon 11 coldspot. Reclassification based on statistical prior probability.

Centre for Mendelian Genomics, University Medical Centre Ljubljana
Classification: Uncertain significance for Melanoma. Last evaluated: 2017-01-01. Review status: criteria provided, single submitter. Criteria: ACMG Guidelines, 2015. Collection method: clinical testing. Allele origin: unknown. Affected: yes.

Literature cited by the submitters: PubMed 35382848 (cited by Labcorp Genetics (formerly Invitae), Labcorp and Color Diagnostics, LLC DBA Color Health); PubMed 33471991 (cited by Color Diagnostics, LLC DBA Color Health).